The following is an entry in ClinVar:

ClinVar aggregate classification (germline): Uncertain significance (1 of 4 stars; one submission).

Allele frequency attached by ClinVar (database versions not stated): gnomAD exomes below 0.00001; TOPMed below 0.00001.
gnomAD v4.1: 2 of 1,612,644 alleles (0.00012%); highest among the groups gnomAD compares: Non-Finnish European, 0.00017%; no homozygotes.

Submission:

Labcorp Genetics (formerly Invitae), Labcorp
Classification: Uncertain significance. Last evaluated: 2023-11-01. Review status: criteria provided, single submitter. Criteria: Invitae Variant Classification Sherloc (09022015). Collection method: clinical testing. Allele origin: germline.
Comment: This sequence change replaces arginine, which is basic and polar, with glycine, which is neutral and non-polar, at codon 652 of the PRDM13 protein (p.Arg652Gly). This variant is not present in population databases (gnomAD no frequency). This variant has not been reported in the literature in individuals affected with PRDM13-related conditions. An algorithm developed to predict the effect of missense changes on protein structure and function (PolyPhen-2) suggests that this variant is likely to be disruptive. In summary, the available evidence is currently insufficient to determine the role of this variant in disease. Therefore, it has been classified as a Variant of Uncertain Significance.

NM_021620.4(PRDM13):c.1954C>G (p.Arg652Gly)

Gene: PRDM13 (PR/SET domain 13; plus strand). Cytogenetic location: 6q16.2.
Variant type: single nucleotide variant.
Coding change: c.1954C>G on transcript NM_021620.4 (MANE Select); coding-DNA position 1954, C replaced by G.
Protein change: p.Arg652Gly; replaces arginine 652 with glycine.
Molecular consequence: missense variant.
Genome position (GRCh38, 1-based): chr6:99,614,589, C>G. VCF-style: chr6-99614589-C-G. GRCh37 (hg19) VCF-style: chr6-100062465-C-G.
Other names: short protein forms R652G.
Identifiers: ClinVar variation 2740824 (VCV002740824.3), dbSNP rs1393281786, ClinGen allele CA365122419.